The following is an entry in ClinVar:

ClinVar aggregate classification (germline): Uncertain significance. Review status: criteria provided, multiple submitters, no conflicts (2 of 4 stars). 2 submissions from 2 submitters: Uncertain significance (2). Last evaluated 2023-01-25.

Conditions:
Alagille syndrome due to a JAG1 point mutation. Also called: HEPATIC DUCTULAR HYPOPLASIA, SYNDROMATIC; Alagille Syndrome 1; JAG1-Related Alagille Syndrome. Identifiers: Orphanet 261619, Orphanet 52, MedGen C1956125, MONDO:0016862, OMIM 118450.
Cardiovascular phenotype. Identifiers: MedGen CN230736.

Allele frequency attached by ClinVar (database versions not stated): gnomAD exomes below 0.00001.
gnomAD v4.1: 3 of 1,613,948 alleles (0.00019%); highest among the groups gnomAD compares: Non-Finnish European, 0.00025%; no homozygotes.

Submissions (2):

Ambry Genetics
Classification: Uncertain significance for Cardiovascular phenotype. Last evaluated: 2023-01-25. Review status: criteria provided, single submitter. Criteria: Ambry Variant Classification Scheme 2023. Collection method: clinical testing. Allele origin: germline.
Comment: The p.T976A variant (also known as c.2926A>G), located in coding exon 24 of the JAG1 gene, results from an A to G substitution at nucleotide position 2926. The threonine at codon 976 is replaced by alanine, an amino acid with similar properties. This amino acid position is conserved. In addition, the in silico prediction for this alteration is inconclusive. Since supporting evidence is limited at this time, the clinical significance of this alteration remains unclear.

Labcorp Genetics (formerly Invitae), Labcorp
Classification: Uncertain significance for Alagille syndrome due to a JAG1 point mutation. Last evaluated: 2022-03-13. Review status: criteria provided, single submitter. Criteria: Invitae Variant Classification Sherloc (09022015). Collection method: clinical testing. Allele origin: germline.
Comment: Advanced modeling of protein sequence and biophysical properties (such as structural, functional, and spatial information, amino acid conservation, physicochemical variation, residue mobility, and thermodynamic stability) performed at Invitae indicates that this missense variant is not expected to disrupt JAG1 protein function. In summary, the available evidence is currently insufficient to determine the role of this variant in disease. Therefore, it has been classified as a Variant of Uncertain Significance. This variant has not been reported in the literature in individuals affected with JAG1-related conditions. This variant is not present in population databases (gnomAD no frequency). This sequence change replaces threonine, which is neutral and polar, with alanine, which is neutral and non-polar, at codon 976 of the JAG1 protein (p.Thr976Ala).

NM_000214.3(JAG1):c.2926A>G (p.Thr976Ala)

Gene: JAG1 (jagged canonical Notch ligand 1; minus strand). Cytogenetic location: 20p12.2.
Variant type: single nucleotide variant.
Coding change: c.2926A>G on transcript NM_000214.3 (MANE Select); coding-DNA position 2926, A replaced by G.
Protein change: p.Thr976Ala; replaces threonine 976 with alanine.
Molecular consequence: missense variant.
Genome position (GRCh38, 1-based): chr20:10,641,235, T>C on the plus strand (A>G on the coding strand, the complement: JAG1 is on the minus strand). VCF-style: chr20-10641235-T-C. GRCh37 (hg19) VCF-style: chr20-10621883-T-C.
Other names: c.2926A>G (NM_000214.2); short protein forms T976A.
Identifiers: ClinVar variation 2170691 (VCV002170691.6), dbSNP rs2514508508, ClinGen allele CA408244658.
Genomic context (GRCh38, chr20:10,641,235, plus strand): 5'-ATTCAGCGGAAACATTCTTCAAAATATTCAAATTCCTCAATTCACTGCAAATGTGCTCCG[T>C]AGTAAGACCCTAAAACGATTTTTAAAAACCCACACACGTGTAAGATTGAGAGGAAGAACA-3'
Protein context (NP_000205.1, residues 966-986): NKEMMSPGLT[Thr976Ala]EHICSELRNL